The following is an entry in ClinVar:

ClinVar aggregate classification (germline): Likely pathogenic (1 of 4 stars; one submission).

Submission:

Labcorp Genetics (formerly Invitae), Labcorp
Classification: Likely pathogenic. Last evaluated: 2020-11-26. Review status: criteria provided, single submitter. Criteria: Invitae Variant Classification Sherloc (09022015). Collection method: clinical testing. Allele origin: germline.
Comment: This variant has not been reported in the literature in individuals with SEPSECS-related conditions. In summary, the currently available evidence indicates that the variant is pathogenic, but additional data are needed to prove that conclusively. Therefore, this variant has been classified as Likely Pathogenic. Algorithms developed to predict the effect of sequence changes on RNA splicing suggest that this variant may disrupt the consensus splice site, but this prediction has not been confirmed by published transcriptional studies. This variant is not present in population databases (ExAC no frequency). This sequence change affects an acceptor splice site in intron 6 of the SEPSECS gene. It is expected to disrupt RNA splicing. Variants that disrupt the donor or acceptor splice site typically lead to a loss of protein function (PMID: 16199547), and loss-of-function variants in SEPSECS are known to be pathogenic (PMID: 25558065, 25590979, 26115735).

Literature cited by the submitters: PubMed 16199547; PubMed 25558065; PubMed 25590979; PubMed 26115735.

NM_016955.4(SEPSECS):c.805-2A>G

Gene: SEPSECS (Sep (O-phosphoserine) tRNA:Sec (selenocysteine) tRNA synthase; minus strand). Cytogenetic location: 4p15.2.
Variant type: single nucleotide variant.
Coding change: c.805-2A>G on transcript NM_016955.4 (MANE Select); the canonical splice acceptor site of the intron before coding-DNA position 805, A replaced by G.
Molecular consequence: splice acceptor variant.
Genome position (GRCh38, 1-based): chr4:25,145,135, T>C on the plus strand (A>G on the coding strand, the complement: SEPSECS is on the minus strand). VCF-style: chr4-25145135-T-C. GRCh37 (hg19) VCF-style: chr4-25146757-T-C.
Other names: c.1060-2A>G (NM_001410714.1).
Identifiers: ClinVar variation 1523288 (VCV001523288.8), dbSNP rs2109022340, ClinGen allele CA356538016.